The following is an entry in ClinVar:

ClinVar aggregate classification (germline): Uncertain significance. Review status: criteria provided, multiple submitters, no conflicts (2 of 4 stars). 2 submissions from 2 submitters: Uncertain significance (2). Last evaluated 2024-07-29.

Conditions:
Hereditary cancer-predisposing syndrome. Also called: Neoplastic Syndromes, Hereditary; Hereditary Cancer Syndrome; Tumor predisposition; Hereditary neoplastic syndrome. Identifiers: Orphanet 140162, MedGen C0027672, MeSH D009386, MONDO:0015356.

Allele frequency attached by ClinVar (database versions not stated): ExAC 0.00001.

Submissions (2):

Ambry Genetics
Classification: Uncertain significance for Hereditary cancer-predisposing syndrome. Last evaluated: 2024-07-29. Review status: criteria provided, single submitter. Criteria: Ambry Variant Classification Scheme 2023. Collection method: clinical testing. Allele origin: germline.
Comment: The p.E810Q variant (also known as c.2428G>C), located in coding exon 4 of the MSH6 gene, results from a G to C substitution at nucleotide position 2428. The glutamic acid at codon 810 is replaced by glutamine, an amino acid with highly similar properties. This amino acid position is conserved. In addition, the in silico prediction for this alteration is inconclusive. Based on the available evidence, the clinical significance of this variant remains unclear.

Color Diagnostics, LLC DBA Color Health
Classification: Uncertain significance for Hereditary cancer-predisposing syndrome. Last evaluated: 2019-10-10. Review status: criteria provided, single submitter. Criteria: ACMG Guidelines, 2015. Collection method: clinical testing. Allele origin: germline.
Comment: This missense variant replaces glutamic acid with glutamine at codon 810 of the MSH6 protein. Computational prediction tool suggests that this variant may not impact protein structure and function (internally defined REVEL score threshold ≤0.5, PMID: 27666373). Splice site prediction tools suggest that this variant may not impact RNA splicing. To our knowledge, functional studies have not been performed for this variant. This variant has not been reported in individuals affected with hereditary cancer in the literature. This variant has not been identified in the general population by the Genome Aggregation Database (gnomAD). The available evidence is insufficient to determine the role of this variant in disease conclusively. Therefore, this variant is classified as a Variant of Uncertain Significance.

NM_000179.3(MSH6):c.2428G>C (p.Glu810Gln)

Gene: MSH6 (mutS homolog 6; plus strand). Cytogenetic location: 2p16.3.
Variant type: single nucleotide variant.
Coding change: c.2428G>C on transcript NM_000179.3 (MANE Select); coding-DNA position 2428, G replaced by C.
Protein change: p.Glu810Gln; replaces glutamic acid 810 with glutamine.
Molecular consequence: missense variant.
Genome position (GRCh38, 1-based): chr2:47,800,411, G>C. VCF-style: chr2-47800411-G-C. GRCh37 (hg19) VCF-style: chr2-48027550-G-C.
Other names: c.2038G>C, p.Glu680Gln (NM_001281492.2); c.1522G>C, p.Glu508Gln (NM_001281493.2, NM_001281494.2); short protein forms E508Q, E810Q, E680Q.
Identifiers: ClinVar variation 927352 (VCV000927352.4), dbSNP rs763248984, ClinGen allele CA069048.
Genomic context (GRCh38, chr2:47,800,411, plus strand): 5'-GATCGTCTAGATGCCATAGAAGACCTCATGGTTGTGCCTGACAAAATCTCCGAAGTTGTA[G>C]AGCTTCTAAAGAAGCTTCCAGATCTTGAGAGGCTACTCAGTAAAATTCATAATGTTGGGT-3'
Protein context (NP_000170.1, residues 800-820): VVPDKISEVV[Glu810Gln]LLKKLPDLER